The following is an entry in ClinVar:

NM_000143.4(FH):c.914T>C (p.Phe305Ser)

Gene: FH (fumarate hydratase; minus strand). Cytogenetic location: 1q43.
Variant type: single nucleotide variant.
Coding change: c.914T>C on transcript NM_000143.4 (MANE Select); coding-DNA position 914, T replaced by C.
Protein change: p.Phe305Ser; replaces phenylalanine 305 with serine.
Molecular consequence: missense variant.
Genome position (GRCh38, 1-based): chr1:241,504,236, A>G on the plus strand (T>C on the coding strand, the complement: FH is on the minus strand). VCF-style: chr1-241504236-A-G. GRCh37 (hg19) VCF-style: chr1-241667536-A-G.
Other names: short protein forms F305S.
Identifiers: ClinVar variation 823050 (VCV000823050.15), dbSNP rs1439046582, ClinGen allele CA345438419.
Genomic context (GRCh38, chr1:241,504,236, plus strand): 5'-CTGAGCTCAACCAGAGCGTCATGAGCAGCCAGAGCTTCAAATTTATTCGGAGCAGTGACA[A>G]AAGGCAAGCCTAAAGAAAAGAAAAATATCCTAGATGGGTGAACAAGTTAAACTAAACATT-3'
Protein context (NP_000134.2, residues 295-315): AKVAALTGLP[Phe305Ser]VTAPNKFEAL

ClinVar aggregate classification (germline): Pathogenic/Likely pathogenic. Review status: criteria provided, multiple submitters, no conflicts (2 of 4 stars). 4 submissions from 4 submitters: Pathogenic (2); Likely pathogenic (2). Last evaluated 2025-07-10.

Conditions:
Hereditary cancer-predisposing syndrome. Also called: Neoplastic Syndromes, Hereditary; Hereditary Cancer Syndrome; Hereditary neoplastic syndrome; Tumor predisposition. Identifiers: Orphanet 140162, MedGen C0027672, MeSH D009386, MONDO:0015356.
Hereditary leiomyomatosis and renal cell cancer. Also called: Reed syndrome; Multiple cutaneous and uterine leiomyomatosis; Cutaneous leiomyomata with uterine leiomyomata; Leiomyoma, hereditary multiple, of skin; Multiple cutaneous and uterine leiomyomata; Multiple cutaneous leiomyomas. Identifiers: Orphanet 523, MedGen C1708350, MONDO:0007888, OMIM 150800, HP:0007437. Disease mechanism: loss of function.

Allele frequency attached by ClinVar (database versions not stated): gnomAD 0.00001.
gnomAD v4.1: 1 of 1,614,034 alleles (0.000062%); highest among the groups gnomAD compares: African/African-American, 0.0013%; no homozygotes.

Submissions (4):

Myriad Genetics, Inc.
Classification: Likely pathogenic for Hereditary leiomyomatosis and renal cell cancer. Last evaluated: 2025-07-10. Review status: criteria provided, single submitter. Criteria: Myriad Autosomal Dominant, Autosomal Recessive and X-Linked Classification Criteria (2023). Collection method: clinical testing. Allele origin: unknown.
Comment: This variant is considered likely pathogenic. This variant has been reported in multiple individuals with clinical features of gene-specific disease [PMID: 32463173, personal communications 2025; Myriad internal data].

Ambry Genetics
Classification: Pathogenic for Hereditary cancer-predisposing syndrome. Last evaluated: 2024-06-15. Review status: criteria provided, single submitter. Criteria: Ambry Variant Classification Scheme 2023. Collection method: clinical testing. Allele origin: germline.
Comment: The p.F305S pathogenic mutation (also known as c.914T>C), located in coding exon 7 of the FH gene, results from a T to C substitution at nucleotide position 914. The phenylalanine at codon 305 is replaced by serine, an amino acid with highly dissimilar properties. This alteration has been observed in at least one individual who has a personal or family history that is consistent with FH-associated disease (Ambry internal data; Breen KE et al. Mol Genet Genomic Med, 2020 08;8:e1293; Truong H et al. Eur Urol Oncol, 2021 Dec;4:993-1000). Based on internal structural analysis, this variant is more disruptive than known pathogenic variants (Pereira de P&aacute;dua RA et al. Acta Crystallogr F Struct Biol Commun, 2014 Jan;70:120-2). This amino acid position is highly conserved in available vertebrate species. In addition, this alteration is predicted to be deleterious by in silico analysis. Based on the supporting evidence, this variant is interpreted as a disease-causing mutation.

GeneDx
Classification: Likely pathogenic. Last evaluated: 2023-10-12. Review status: criteria provided, single submitter. Criteria: GeneDx Variant Classification Process June 2021. Collection method: clinical testing. Allele origin: germline. Affected: yes.
Comment: Not observed at significant frequency in large population cohorts (gnomAD); In silico analysis supports that this missense variant has a deleterious effect on protein structure/function; This variant is associated with the following publications: (PMID: 28873162, 29905933, 24419633, 34654685, 32463173)

Labcorp Genetics (formerly Invitae), Labcorp
Classification: Pathogenic. Last evaluated: 2023-08-01. Review status: criteria provided, single submitter. Criteria: Invitae Variant Classification Sherloc (09022015). Collection method: clinical testing. Allele origin: germline.
Comment: This sequence change replaces phenylalanine, which is neutral and non-polar, with serine, which is neutral and polar, at codon 305 of the FH protein (p.Phe305Ser). This variant is present in population databases (no rsID available, gnomAD 0.01%). This missense change has been observed in individuals with uterine fibroids and renal cancer (PMID: 32463173; Invitae). ClinVar contains an entry for this variant (Variation ID: 823050). Advanced modeling of protein sequence and biophysical properties (such as structural, functional, and spatial information, amino acid conservation, physicochemical variation, residue mobility, and thermodynamic stability) performed at Invitae indicates that this missense variant is expected to disrupt FH protein function. For these reasons, this variant has been classified as Pathogenic.

Literature cited by the submitters: PubMed 32463173 (cited by 3 submitters); PubMed 24419633 (cited by Ambry Genetics); PubMed 34654685 (cited by Ambry Genetics).